The following is an entry in ClinVar:

ClinVar aggregate classification (germline): Likely benign. Review status: criteria provided, multiple submitters, no conflicts (2 of 4 stars). 3 submissions from 3 submitters: Likely benign (2). 1 of the submissions does not count toward it. Last evaluated 2025-10-01.

Conditions:
Kabuki syndrome. Also called: Kabuki make-up syndrome; NIIKAWA-KUROKI SYNDROME. Identifiers: Orphanet 2322, MedGen C0796004, MONDO:0016512.

Allele frequency attached by ClinVar (database versions not stated): ExAC 0.00001; gnomAD 0.00001; gnomAD exomes 0.00001 and 0.00003; TOPMed 0.00002.
gnomAD v4.1: 37 of 1,609,308 alleles (0.0023%); highest among the groups gnomAD compares: Non-Finnish European, 0.0031%; no homozygotes.

Submissions (3):

CeGaT Center for Human Genetics Tuebingen
Classification: Likely benign. Last evaluated: 2025-10-01. Review status: criteria provided, single submitter. Criteria: CeGaT Center For Human Genetics Tuebingen Variant Classification Criteria Version 2. Collection method: clinical testing. Allele origin: germline. Affected: yes. Observed: 1 variant allele.
Comment: KMT2D: PP3, BS1

Labcorp Genetics (formerly Invitae), Labcorp
Classification: Likely benign for Kabuki syndrome. Last evaluated: 2024-11-12. Review status: criteria provided, single submitter. Criteria: Invitae Variant Classification Sherloc (09022015). Collection method: clinical testing. Allele origin: germline.

Genetic Services Laboratory, University of Chicago
Classification: Uncertain significance. Last evaluated: 2022-08-06. Review status: no assertion criteria provided. Collection method: clinical testing. Allele origin: germline. Affected: no. Not counted in ClinVar's aggregate classification.
Comment: DNA sequence analysis of the KMT2D gene demonstrated a sequence change, c.812C>G, in exon 6 that results in an amino acid change, p.Pro271Arg. This sequence change does not appear to have been previously described in individuals with KMT2D-related disorders. This sequence change has been described in the gnomAD database in 3 individuals which corresponds to a population frequency of 0.001% (dbSNP rs755198691). The p.Pro271Arg change affects a moderately conserved amino acid residue located in a domain of the KMT2D protein that is known to be functional. In-silico pathogenicity prediction tools (SIFT, PolyPhen2, Align GVGD, REVEL) provide contradictory results for the p.Pro271Arg substitution. Due to insufficient evidences and the lack of functional studies, the clinical significance of the p.Pro271Arg change remains unknown at this time.

NM_003482.4(KMT2D):c.812C>G (p.Pro271Arg)

Gene: KMT2D (lysine methyltransferase 2D; minus strand). Cytogenetic location: 12q13.12.
Variant type: single nucleotide variant.
Coding change: c.812C>G on transcript NM_003482.4 (MANE Select); coding-DNA position 812, C replaced by G.
Protein change: p.Pro271Arg; replaces proline 271 with arginine.
Molecular consequence: missense variant.
Genome position (GRCh38, 1-based): chr12:49,053,503, G>C on the plus strand (C>G on the coding strand, the complement: KMT2D is on the minus strand). VCF-style: chr12-49053503-G-C. GRCh37 (hg19) VCF-style: chr12-49447286-G-C.
Other names: c.812C>G (NM_003482.3); short protein forms P271R.
Identifiers: ClinVar variation 1493786 (VCV001493786.16), dbSNP rs755198691, ClinGen allele CA6548651.